The following is an entry in ClinVar:

ClinVar aggregate classification (germline): Likely pathogenic (1 of 4 stars; one submission).

Conditions:
Cohen syndrome (COH1). Also called: Cutis verticis gyrata, retinitis pigmentosa, and sensorineural deafness; PEPPER SYNDROME. Identifiers: Orphanet 193, MedGen C0265223, MONDO:0008999, OMIM 216550.

Submission:

Labcorp Genetics (formerly Invitae), Labcorp
Classification: Likely pathogenic for Cohen syndrome. Last evaluated: 2023-06-12. Review status: criteria provided, single submitter. Criteria: Invitae Variant Classification Sherloc (09022015). Collection method: clinical testing. Allele origin: germline.
Comment: This sequence change affects a donor splice site in intron 20 of the VPS13B gene. It is expected to disrupt RNA splicing. Variants that disrupt the donor or acceptor splice site typically lead to a loss of protein function (PMID: 16199547), and loss-of-function variants in VPS13B are known to be pathogenic (PMID: 15141358, 16648375, 20461111). This variant is not present in population databases (gnomAD no frequency). This variant has not been reported in the literature in individuals affected with VPS13B-related conditions. Algorithms developed to predict the effect of sequence changes on RNA splicing suggest that this variant may disrupt the consensus splice site. In summary, the currently available evidence indicates that the variant is pathogenic, but additional data are needed to prove that conclusively. Therefore, this variant has been classified as Likely Pathogenic.

Literature cited by the submitters: PubMed 16199547; PubMed 15141358; PubMed 16648375; PubMed 20461111.

NM_152564.5(VPS13B):c.2934+2T>A

Gene: VPS13B (vacuolar protein sorting 13 homolog B; plus strand). Cytogenetic location: 8q22.2.
Variant type: single nucleotide variant.
Coding change: c.2934+2T>A on transcript NM_152564.5 (MANE Select); the canonical splice donor site of the intron after coding-DNA position 2934, T replaced by A.
Molecular consequence: splice donor variant.
Genome position (GRCh38, 1-based): chr8:99,384,319, T>A. VCF-style: chr8-99384319-T-A. GRCh37 (hg19) VCF-style: chr8-100396547-T-A.
Other names: c.2934+2T>A (NM_017890.5).
Identifiers: ClinVar variation 2712586 (VCV002712586.3), dbSNP rs2489827712, ClinGen allele CA371865003.